The following continues an entry in ClinVar:

NM_000136.3(FANCC):c.178G>A (p.Val60Ile)

Gene: FANCC. ClinVar aggregate classification (germline): Conflicting classifications of pathogenicity. Uncertain significance (5); Benign (1); Likely benign (13).

Submissions 19 to 23 of 23:

Center for Pediatric Genomic Medicine, Children's Mercy Hospital and Clinics
Classification: Likely benign. Last evaluated: 2015-08-19. Review status: criteria provided, single submitter. Criteria: ACMG Guidelines, 2015. Collection method: clinical testing. Allele origin: germline.
ClinVar note: Converted during submission from Likely Benign to Likely benign.

PreventionGenetics, part of Exact Sciences
Classification: Likely benign for FANCC-related condition. Last evaluated: 2020-12-15. Review status: no assertion criteria provided. Collection method: clinical testing. Allele origin: germline. Not counted in ClinVar's aggregate classification.
Comment: This variant is classified as likely benign based on ACMG/AMP sequence variant interpretation guidelines (Richards et al. 2015 PMID: 25741868, with internal and published modifications).

Leiden Open Variation Database
Classification: Uncertain significance. Last evaluated: 2020-02-28. Review status: no assertion criteria provided. Collection method: curation. Allele origin: germline. Affected: yes. Not counted in ClinVar's aggregate classification.
Comment: Curator: Arleen D. Auerbach. Submitter to LOVD: Arleen D. Auerbach.

Natera, Inc.
Classification: Uncertain significance for Fanconi anemia, group C. Last evaluated: 2017-11-14. Review status: no assertion criteria provided. Collection method: clinical testing. Allele origin: germline. Not counted in ClinVar's aggregate classification.

Department of Pathology and Laboratory Medicine, Sinai Health System
Classification: Likely benign for Malignant tumor of breast. Review status: no assertion criteria provided. Collection method: clinical testing. Allele origin: unknown. Affected: yes. Study: The Canadian Open Genetics Repository (COGR). Not counted in ClinVar's aggregate classification.
Comment: The FANCC p.Val60Ile variant was identified in 4 of 1924 proband chromosomes (frequency: 0.002) from individuals or families with breast or pancreatic cancer and was present in 7 of 2384 control chromosomes (frequency: 0.003) from healthy individuals (Seal 2003, Couch 2005, Thompson 2012). The variant was identified in dbSNP (rs138629441) as â€šÃ„Ãºwith other allele,â€šÃ„Ã¹ ClinVar (classified as likely benign by GeneDx, Ambry Genetics and 2 other submitters; and uncertain significance by Invitae and 2 other submitters) and LOVD 3.0 (observed 1x). The variant was identified in control databases in 237 of 276,496 chromosomes at a frequency of 0.0009, increasing the likelihood this could be a low frequency benign variant (Genome Aggregation Database Feb 27, 2017). The variant was observed in the following populations: African in 6 of 23,998 chromosomes (freq: 0.0003), Other in 6 of 6456 chromosomes (freq: 0.001), Latino in 21 of 34,398 chromosomes (freq: 0.0006), European in 181 of 126208 chromosomes (freq: 0.001434), Ashkenazi Jewish in 3 of 10,132 chromosomes (freq: 0.0003), East Asian in 1 of 18,836 chromosomes (freq: 0.00005), Finnish in 4 of 25,692 chromosomes (freq: 0.0002), and South Asian in 15 of 30,776 chromosomes (freq: 0.0005). The p.Val60 residue is not conserved in mammals and computational analyses (PolyPhen-2, SIFT, AlignGVGD, BLOSUM, MutationTaster) do not suggest a high likelihood of impact to the protein; however, this information is not predictive enough to rule out pathogenicity. The variant occurs outside of the splicing consensus sequence and in silico or computational prediction software programs (SpliceSiteFinder, MaxEntScan, NNSPLICE, GeneSplicer) do not predict a difference in splicing. In summary, based on the above information, the clinical significance of this variant cannot be determined with certainty at this time although we would lean towards a more benign role for this variant. This variant is classified as likely benign.

Literature cited by the submitters: PubMed 23028338 (cited by 3 submitters); PubMed 15695377 (cited by 3 submitters); PubMed 14695169 (cited by 3 submitters); PubMed 29360161 (cited by Women's Health and Genetics/Laboratory Corporation of America, LabCorp and Sema4); PubMed 30306255 (cited by Women's Health and Genetics/Laboratory Corporation of America, LabCorp and Sema4); PubMed 28678401 (cited by Women's Health and Genetics/Laboratory Corporation of America, LabCorp and Sema4); PubMed 29643063 (cited by Women's Health and Genetics/Laboratory Corporation of America, LabCorp); PubMed 8799375 (cited by Women's Health and Genetics/Laboratory Corporation of America, LabCorp and Sema4); PubMed 29719599 (cited by Women's Health and Genetics/Laboratory Corporation of America, LabCorp); PubMed 35264596 (cited by Women's Health and Genetics/Laboratory Corporation of America, LabCorp).